The following is an entry in ClinVar:

ClinVar aggregate classification (germline): Uncertain significance (1 of 4 stars; one submission).

gnomAD v4.1: 1 of 1,591,624 alleles (0.000063%); highest among the groups gnomAD compares: Non-Finnish European, 0.000085%; no homozygotes.

Submission:

Labcorp Genetics (formerly Invitae), Labcorp
Classification: Uncertain significance. Last evaluated: 2025-07-14. Review status: criteria provided, single submitter. Criteria: Invitae Variant Classification Sherloc (09022015). Collection method: clinical testing. Allele origin: germline.
Comment: This sequence change replaces threonine, which is neutral and polar, with isoleucine, which is neutral and non-polar, at codon 986 of the SLC12A2 protein (p.Thr986Ile). This variant is not present in population databases (gnomAD no frequency). This variant has not been reported in the literature in individuals affected with SLC12A2-related conditions. ClinVar contains an entry for this variant (Variation ID: 3635538). Invitae Evidence Modeling of protein sequence and biophysical properties (such as structural, functional, and spatial information, amino acid conservation, physicochemical variation, residue mobility, and thermodynamic stability) indicates that this missense variant is not expected to disrupt SLC12A2 protein function with a negative predictive value of 95%. In summary, the available evidence is currently insufficient to determine the role of this variant in disease. Therefore, it has been classified as a Variant of Uncertain Significance.

NM_001046.3(SLC12A2):c.2957C>T (p.Thr986Ile)

Gene: SLC12A2 (solute carrier family 12 member 2; plus strand). Cytogenetic location: 5q23.3.
Variant type: single nucleotide variant.
Coding change: c.2957C>T on transcript NM_001046.3 (MANE Select); coding-DNA position 2957, C replaced by T.
Protein change: p.Thr986Ile; replaces threonine 986 with isoleucine.
Molecular consequence: missense variant. On other transcripts: non-coding transcript variant (1), intron variant (1).
Genome position (GRCh38, 1-based): chr5:128,177,132, C>T. VCF-style: chr5-128177132-C-T. GRCh37 (hg19) VCF-style: chr5-127512824-C-T.
Other names: c.2930-1435C>T (NM_001256461.2); short protein forms T986I.
Identifiers: ClinVar variation 3635538 (VCV003635538.2).